The following is an entry in ClinVar:

NM_000091.5(COL4A3):c.2819del (p.Gly940fs)

Genes: COL4A3 (collagen type IV alpha 3 chain; plus strand), MFF-DT (MFF divergent transcript; minus strand). Cytogenetic location: 2q36.3.
Variant type: Deletion.
Coding change: c.2819del on transcript NM_000091.5 (MANE Select); coding-DNA position 2819, one base deleted (G; older notation c.2819delG).
Protein change: p.Gly940fs; shifts the reading frame from glycine 940.
Molecular consequence: frameshift variant.
Genome position (GRCh38, 1-based): chr2:227,284,283, G deleted; the last of 2 consecutive G bases (chr2:227,284,282-227,284,283); deleting either gives the same sequence. VCF-style (leftmost placement, unchanged base first): chr2-227284281-AG-A. GRCh37 (hg19) VCF-style: chr2-228148997-AG-A.
Other names: c.2819delG, p.Gly940Glufs (NM_000091.4); c.2819del (NM_000091.4); short protein forms G940fs.
Identifiers: ClinVar variation 4734982 (VCV004734982.2).

ClinVar aggregate classification (germline): Pathogenic/Likely pathogenic. Review status: criteria provided, multiple submitters, no conflicts (2 of 4 stars). 2 submissions from 2 submitters: Pathogenic (1); Likely pathogenic (1). Last evaluated 2026-01-20.

Conditions:
Alport syndrome. Also called: Hemorrhagic familial nephritis; Hemorrhagic hereditary nephritis; Congenital hereditary hematuria. Identifiers: Orphanet 63, MedGen C1567741, MONDO:0018965.

Submissions (2):

Natera, Inc.
Classification: Likely pathogenic for Alport syndrome. Last evaluated: 2026-01-20. Review status: criteria provided, single submitter. Criteria: Natera Variant Classification Schema (03/2026). Collection method: clinical testing. Allele origin: germline.
Comment: The c.2819del variant in COL4A3 is a frameshift variant predicted to shift the reading frame beginning at codon 940 and leads to a stop codon 11 codons downstream. This variant is expected to result in nonsense mediated decay, truncation, or a dysfunctional protein product. This variant is rare in the general population with a frequency below the threshold expected for the associated phenotype(s). Given the available evidence, this variant is classified as Likely Pathogenic.

Labcorp Genetics (formerly Invitae), Labcorp
Classification: Pathogenic. Last evaluated: 2026-01-09. Review status: criteria provided, single submitter. Criteria: Invitae Variant Classification Sherloc (09022015). Collection method: clinical testing. Allele origin: germline.
Comment: This sequence change creates a premature translational stop signal (p.Gly940Glufs*11) in the COL4A3 gene. It is expected to result in an absent or disrupted protein product. Loss-of-function variants in COL4A3 are known to be pathogenic (PMID: 8956999, 24854265, 26809805, 27281700). This variant is not present in population databases (gnomAD no frequency). This variant has not been reported in the literature in individuals affected with COL4A3-related conditions. Algorithms developed to predict the effect of sequence changes on RNA splicing suggest that this variant may disrupt the consensus splice site. For these reasons, this variant has been classified as Pathogenic.

Literature cited by the submitters: PubMed 8956999 (cited by Labcorp Genetics (formerly Invitae), Labcorp); PubMed 24854265 (cited by Labcorp Genetics (formerly Invitae), Labcorp); PubMed 26809805 (cited by Labcorp Genetics (formerly Invitae), Labcorp); PubMed 27281700 (cited by Labcorp Genetics (formerly Invitae), Labcorp).